The following is an entry in ClinVar:

ClinVar aggregate classification (germline): Uncertain significance (1 of 4 stars; one submission).

gnomAD v4.1: 1 of 1,611,456 alleles (0.000062%); highest among the groups gnomAD compares: Admixed American, 0.0017%; no homozygotes.

Submission:

GeneDx
Classification: Uncertain significance. Last evaluated: 2025-07-02. Review status: criteria provided, single submitter. Criteria: GeneDx Variant Classification Process June 2021. Collection method: clinical testing. Allele origin: germline. Affected: yes.
Comment: Not observed at significant frequency in large population cohorts (gnomAD); In silico analysis supports that this missense variant has a deleterious effect on protein structure/function; In silico analysis supports a deleterious effect on splicing; Has not been previously published as pathogenic or benign to our knowledge

NM_003737.4(DCHS1):c.6250G>C (p.Gly2084Arg)

Gene: DCHS1 (dachsous cadherin-related 1; minus strand). Cytogenetic location: 11p15.4.
Variant type: single nucleotide variant.
Coding change: c.6250G>C on transcript NM_003737.4 (MANE Select); coding-DNA position 6250, G replaced by C.
Protein change: p.Gly2084Arg; replaces glycine 2084 with arginine.
Molecular consequence: missense variant.
Genome position (GRCh38, 1-based): chr11:6,626,789, C>G on the plus strand (G>C on the coding strand, the complement: DCHS1 is on the minus strand). VCF-style: chr11-6626789-C-G. GRCh37 (hg19) VCF-style: chr11-6648020-C-G.
Other names: short protein forms G2084R.
Identifiers: ClinVar variation 4681082 (VCV004681082.1).